The following is an entry in ClinVar:

NM_000155.4(GALT):c.939G>A (p.Trp313Ter)

Gene: GALT (galactose-1-phosphate uridylyltransferase; plus strand). Cytogenetic location: 9p13.3.
Variant type: single nucleotide variant.
Coding change: c.939G>A on transcript NM_000155.4 (MANE Select); coding-DNA position 939, G replaced by A.
Protein change: p.Trp313Ter; replaces tryptophan 313 with a stop codon.
Molecular consequence: nonsense.
Genome position (GRCh38, 1-based): chr9:34,649,444, G>A. VCF-style: chr9-34649444-G-A. GRCh37 (hg19) VCF-style: chr9-34649441-G-A.
Other names: c.612G>A, p.Trp204Ter (NM_001258332.2); short protein forms W204*, W313*.
Identifiers: ClinVar variation 4817649 (VCV004817649.1).

ClinVar aggregate classification (germline): Likely pathogenic (1 of 4 stars; one submission).

Conditions:
Galactosemia. Also called: Galactose intolerance. Identifiers: Orphanet 352, MedGen C0016952, MONDO:0018116, HP:0004919. Disease mechanism: loss of function.

Submission:

Natera, Inc.
Classification: Likely pathogenic for Galactosemia. Last evaluated: 2024-11-13. Review status: criteria provided, single submitter. Criteria: Natera Variant Classification Schema (03/2026). Collection method: clinical testing. Allele origin: germline.
Comment: The c.939G>A variant in GALT is a nonsense variant predicted to introduce a stop codon at amino acid 313. This variant is expected to result in nonsense mediated decay, truncation, or a dysfunctional protein product. This variant is rare in the general population with a frequency below the threshold expected for the associated phenotype(s). Given the available evidence, this variant is classified as Likely Pathogenic.